The following is an entry in ClinVar:

NM_003924.4(PHOX2B):c.612C>T (p.Pro204=)

Gene: PHOX2B (paired like homeobox 2B; minus strand). Cytogenetic location: 4p13.
Variant type: single nucleotide variant.
Coding change: c.612C>T on transcript NM_003924.4 (MANE Select); coding-DNA position 612, C replaced by T.
Protein change: p.Pro204=; no amino-acid change (proline 204 retained).
Molecular consequence: synonymous variant.
Genome position (GRCh38, 1-based): chr4:41,746,140, G>A on the plus strand (C>T on the coding strand, the complement: PHOX2B is on the minus strand). VCF-style: chr4-41746140-G-A. GRCh37 (hg19) VCF-style: chr4-41748157-G-A.
Identifiers: ClinVar variation 1751770 (VCV001751770.10), dbSNP rs2552096860, ClinGen allele CA439143069.

ClinVar aggregate classification (germline): Likely benign. Review status: criteria provided, multiple submitters, no conflicts (2 of 4 stars). 2 submissions from 2 submitters: Likely benign (2). Last evaluated 2025-08-01.

Conditions:
Hereditary cancer-predisposing syndrome. Also called: Hereditary neoplastic syndrome; Neoplastic Syndromes, Hereditary; Tumor predisposition; Hereditary Cancer Syndrome. Identifiers: Orphanet 140162, MedGen C0027672, MeSH D009386, MONDO:0015356.

Submissions (2):

CeGaT Center for Human Genetics Tuebingen
Classification: Likely benign. Last evaluated: 2025-08-01. Review status: criteria provided, single submitter. Criteria: CeGaT Center For Human Genetics Tuebingen Variant Classification Criteria Version 2. Collection method: clinical testing. Allele origin: germline. Affected: yes. Observed: 1 variant allele.
Comment: PHOX2B: PM2:Supporting, BP4, BP7

Ambry Genetics
Classification: Likely benign for Hereditary cancer-predisposing syndrome. Last evaluated: 2022-10-12. Review status: criteria provided, single submitter. Criteria: Ambry Variant Classification Scheme 2023. Collection method: clinical testing. Allele origin: germline.